The following is an entry in ClinVar:

NM_001458.5(FLNC):c.2432del (p.Gly811fs)

Gene: FLNC (filamin C; plus strand). Cytogenetic location: 7q32.1.
Variant type: Deletion.
Coding change: c.2432del on transcript NM_001458.5 (MANE Select); coding-DNA position 2432, one base deleted (G; older notation c.2432delG).
Protein change: p.Gly811fs; shifts the reading frame from glycine 811.
Molecular consequence: frameshift variant.
Genome position (GRCh38, 1-based): chr7:128,842,836, G deleted; the last of 3 consecutive G bases (chr7:128,842,834-128,842,836); deleting any one gives the same sequence. VCF-style (leftmost placement, unchanged base first): chr7-128842833-TG-T. GRCh37 (hg19) VCF-style: chr7-128482887-TG-T.
Other names: c.2432del, p.Gly811fs (NM_001127487.2); c.2432delG (NM_001458.4); short protein forms G811fs.
Identifiers: ClinVar variation 935482 (VCV000935482.9), dbSNP rs776269505, ClinGen allele CA4474734.
Genomic context (GRCh38, chr7:128,842,833, plus strand): 5'-GCAGTGCCCGCTTCTCTGCAGGCGACGTGAGCATCGGCATCAAGTGCGCCCCAGGCGTGG[TG>T]GGCCCTGCAGAGGCTGACATTGACTTCGACATCATCAAGAATGACAACGACACCTTCACC-3'

ClinVar aggregate classification (germline): Pathogenic. Review status: criteria provided, multiple submitters, no conflicts (2 of 4 stars). 2 submissions from 2 submitters: Pathogenic (2). Last evaluated 2026-07-29.

Conditions:
Cardiovascular phenotype. Identifiers: MedGen CN230736.
Myofibrillar myopathy 5. Also called: Filaminopathy (type); FILAMINOPATHY, AUTOSOMAL DOMINANT. Identifiers: Orphanet 171445, MedGen C1836050, MONDO:0012289, OMIM 609524.
Hypertrophic cardiomyopathy 26. Also called: Cardiomyopathy, familial hypertrophic, 26. Identifiers: Orphanet 75249, MedGen C4310749, MONDO:0014883, OMIM 617047.
Distal myopathy with posterior leg and anterior hand involvement. Also called: WILLIAMS DISTAL MYOPATHY. Identifiers: Orphanet 63273, MedGen C3279722, MONDO:0013550, OMIM 614065.

Submissions (2):

Ambry Genetics
Classification: Pathogenic for Cardiovascular phenotype. Last evaluated: 2026-07-29. Review status: criteria provided, single submitter. Criteria: Ambry Variant Classification Scheme 2023. Collection method: clinical testing. Allele origin: germline.
Comment: The c.2432delG pathogenic mutation, located in coding exon 16 of the FLNC gene, results from a deletion of one nucleotide at nucleotide position 2432, causing a translational frameshift with a predicted alternate stop codon (p.G811Afs*67). This variant is considered to be rare based on population cohorts in the Genome Aggregation Database (gnomAD). This alteration is expected to result in loss of function by premature protein truncation or nonsense-mediated mRNA decay. As such, this alteration is interpreted as a disease-causing mutation for FLNC-related dilated cardiomyopathy; however, its clinical significance for FLNC-related hypertrophic/restrictive cardiomyopathy and/or skeletal myopathy is uncertain.

Labcorp Genetics (formerly Invitae), Labcorp
Classification: Pathogenic for Distal myopathy with posterior leg and anterior hand involvement; Myofibrillar myopathy 5; Hypertrophic cardiomyopathy 26. Last evaluated: 2022-06-30. Review status: criteria provided, single submitter. Criteria: Invitae Variant Classification Sherloc (09022015). Collection method: clinical testing. Allele origin: germline.
Comment: For these reasons, this variant has been classified as Pathogenic. ClinVar contains an entry for this variant (Variation ID: 935482). This variant has not been reported in the literature in individuals affected with FLNC-related conditions. This variant is present in population databases (rs776269505, gnomAD 0.01%). This sequence change creates a premature translational stop signal (p.Gly811Alafs*67) in the FLNC gene. It is expected to result in an absent or disrupted protein product. Loss-of-function variants in FLNC are known to be pathogenic (PMID: 27908349).

Literature cited by the submitters: PubMed 27908349 (cited by Labcorp Genetics (formerly Invitae), Labcorp).